The following is an entry in ClinVar:

ClinVar aggregate classification (germline): Uncertain significance (1 of 4 stars; one submission).

Submission:

Labcorp Genetics (formerly Invitae), Labcorp
Classification: Uncertain significance. Last evaluated: 2021-11-10. Review status: criteria provided, single submitter. Criteria: Invitae Variant Classification Sherloc (09022015). Collection method: clinical testing. Allele origin: germline.
Comment: In summary, the available evidence is currently insufficient to determine the role of this variant in disease. Therefore, it has been classified as a Variant of Uncertain Significance. Algorithms developed to predict the effect of missense changes on protein structure and function are either unavailable or do not agree on the potential impact of this missense change (SIFT: "Tolerated"; PolyPhen-2: "Probably Damaging"; Align-GVGD: "Class C0"). This variant has not been reported in the literature in individuals affected with OSTM1-related conditions. This variant is not present in population databases (gnomAD no frequency). This sequence change replaces glycine, which is neutral and non-polar, with valine, which is neutral and non-polar, at codon 134 of the OSTM1 protein (p.Gly134Val).

NM_014028.4(OSTM1):c.401G>T (p.Gly134Val)

Gene: OSTM1 (osteoclastogenesis associated transmembrane protein 1; minus strand). Cytogenetic location: 6q21.
Variant type: single nucleotide variant.
Coding change: c.401G>T on transcript NM_014028.4 (MANE Select); coding-DNA position 401, G replaced by T.
Protein change: p.Gly134Val; replaces glycine 134 with valine.
Molecular consequence: missense variant.
Genome position (GRCh38, 1-based): chr6:108,074,251, C>A on the plus strand (G>T on the coding strand, the complement: OSTM1 is on the minus strand). VCF-style: chr6-108074251-C-A. GRCh37 (hg19) VCF-style: chr6-108395455-C-A.
Other names: short protein forms G134V.
Identifiers: ClinVar variation 1434197 (VCV001434197.4), dbSNP rs2114615998, ClinGen allele CA365330133.